The following is an entry in ClinVar:

NM_007294.4(BRCA1):c.4685del (p.Pro1562fs)

Gene: BRCA1 (BRCA1 DNA repair associated; minus strand). Cytogenetic location: 17q21.31.
Variant type: Deletion.
Coding change: c.4685del on transcript NM_007294.4 (MANE Select); coding-DNA position 4685, one base deleted (C; older notation c.4685delC).
Protein change: p.Pro1562fs; shifts the reading frame from proline 1562.
Molecular consequence: frameshift variant. On other transcripts: intron variant (1).
Genome position (GRCh38, 1-based): chr17:43,071,229, G deleted on the plus strand (C on the coding strand, the reverse complement: BRCA1 is on the minus strand); the first of 4 consecutive G bases (chr17:43,071,229-43,071,232); deleting any one gives the same sequence. VCF-style (leftmost placement, unchanged base first): chr17-43071228-AG-A. GRCh37 (hg19) VCF-style: chr17-41223245-AG-A.
Other names: c.1373del, p.Pro458fs (NM_001407982.1, NM_001407983.1, NM_001407984.1 and 12 more transcripts); c.1370del, p.Pro457fs (NM_001408392.1, NM_001408396.1, NM_001408397.1 and 8 more transcripts); c.4472del, p.Pro1491fs (NM_001407571.1, NM_001407894.1, NM_001407895.1 and 12 more transcripts); c.4751del, p.Pro1584fs (NM_001407581.1, NM_001407582.1); c.4748del, p.Pro1583fs (NM_001407583.1, NM_001407585.1, NM_001407587.1 and 1 more transcripts); c.4745del, p.Pro1582fs (NM_001407590.1, NM_001407591.1); c.4685del, p.Pro1562fs (NM_001407593.1, NM_001407594.1, NM_001407596.1 and 8 more transcripts); c.4682del, p.Pro1561fs (NM_001407610.1, NM_001407611.1, NM_001407612.1 and 17 more transcripts); and 72 more; short protein forms P1408fs, P1451fs, P1474fs, P1495fs, P1513fs, P1520fs, P1560fs, P350fs.
Identifiers: ClinVar variation 3825270 (VCV003825270.1).

ClinVar aggregate classification (germline): Pathogenic (1 of 4 stars; one submission).

Conditions:
Hereditary cancer-predisposing syndrome. Also called: Hereditary neoplastic syndrome; Neoplastic Syndromes, Hereditary; Tumor predisposition; Hereditary Cancer Syndrome. Identifiers: Orphanet 140162, MedGen C0027672, MeSH D009386, MONDO:0015356.

Submission:

Ambry Genetics
Classification: Pathogenic for Hereditary cancer-predisposing syndrome. Last evaluated: 2025-01-17. Review status: criteria provided, single submitter. Criteria: Ambry Variant Classification Scheme 2023. Collection method: clinical testing. Allele origin: germline.
Comment: The c.4685delC pathogenic mutation, located in coding exon 14 of the BRCA1 gene, results from a deletion of one nucleotide at nucleotide position 4685, causing a translational frameshift with a predicted alternate stop codon (p.P1562Lfs*39). This variant is considered to be rare based on population cohorts in the Genome Aggregation Database (gnomAD). This alteration is expected to result in loss of function by premature protein truncation or nonsense-mediated mRNA decay. As such, this alteration is interpreted as a disease-causing mutation.